The following is an entry in ClinVar:

ClinVar aggregate classification (germline): Uncertain significance (1 of 4 stars; one submission).

Conditions:
Polycystic kidney disease 4 (PKD4). Also called: POLYCYSTIC KIDNEY DISEASE 4 WITH OR WITHOUT POLYCYSTIC LIVER DISEASE; POLYCYSTIC KIDNEY AND HEPATIC DISEASE 1; POLYCYSTIC KIDNEY DISEASE, INFANTILE, TYPE I; Autosomal Recessive Polycystic Kidney Disease – PKHD1; PKD3. Identifiers: MedGen C4540575, MONDO:0033004, OMIM 263200.

gnomAD v4.1: 1 of 1,614,044 alleles (0.000062%); highest among the groups gnomAD compares: Middle Eastern, 0.016%; no homozygotes.

Submission:

Baylor Genetics
Classification: Uncertain significance for Polycystic kidney disease 4. Last evaluated: 2019-07-20. Review status: criteria provided, single submitter. Criteria: ACMG Guidelines, 2015. Collection method: clinical testing. Allele origin: unknown. Affected: yes.
Comment: This variant was determined to be of uncertain significance according to ACMG Guidelines, 2015 [PMID:25741868].

NM_138694.4(PKHD1):c.3643A>G (p.Ser1215Gly)

Gene: PKHD1 (PKHD1 ciliary IPT domain containing fibrocystin/polyductin; minus strand). Cytogenetic location: 6p12.2.
Variant type: single nucleotide variant.
Coding change: c.3643A>G on transcript NM_138694.4 (MANE Select); coding-DNA position 3643, A replaced by G.
Protein change: p.Ser1215Gly; replaces serine 1215 with glycine.
Molecular consequence: missense variant.
Genome position (GRCh38, 1-based): chr6:52,026,167, T>C on the plus strand (A>G on the coding strand, the complement: PKHD1 is on the minus strand). VCF-style: chr6-52026167-T-C. GRCh37 (hg19) VCF-style: chr6-51890965-T-C.
Other names: c.3643A>G, p.Ser1215Gly (NM_170724.3); short protein forms S1215G.
Identifiers: ClinVar variation 1030196 (VCV001030196.1), dbSNP rs752105357, ClinGen allele CA138947900.